The following is an entry in ClinVar:

ClinVar aggregate classification (germline): Pathogenic (1 of 4 stars; one submission).

Conditions:
Schimke immuno-osseous dysplasia (SIOD). Also called: Schimke Immunoosseous Dysplasia. Identifiers: Orphanet 1830, MedGen C0877024, MONDO:0009458, OMIM 242900.

Submission:

Labcorp Genetics (formerly Invitae), Labcorp
Classification: Pathogenic for Schimke immuno-osseous dysplasia. Last evaluated: 2022-07-14. Review status: criteria provided, single submitter. Criteria: Invitae Variant Classification Sherloc (09022015). Collection method: clinical testing. Allele origin: germline.
Comment: For these reasons, this variant has been classified as Pathogenic. This variant has not been reported in the literature in individuals affected with SMARCAL1-related conditions. This variant is a gross deletion of the genomic region encompassing exon(s) 16 of the SMARCAL1 gene. This deletion is out-of-frame, and is expected to create a premature termination codon and result in an absent or disrupted protein product. Loss-of-function variants in SMARCAL1 are known to be pathogenic (PMID: 11799392, 20301550).

Literature cited by the submitters: PubMed 11799392; PubMed 20301550.

NC_000002.11:g.(?_217341812)_(217341952_?)del

Gene: SMARCAL1 (SNF2 related chromatin remodeling annealing helicase 1; plus strand). Cytogenetic location: 2q35.
Variant type: Deletion.
Identifiers: ClinVar variation 2425894 (VCV002425894.4).